The following is an entry in ClinVar:

ClinVar aggregate classification (germline): Uncertain significance (1 of 4 stars; one submission).

Conditions:
Jeune thoracic dystrophy. Also called: Short-rib thoracic dysplasia; Jeune syndrome; Infantile thoracic dystrophy; Thoracic pelvic phalangeal dystrophy; Jeune's syndrome; Chondroectodermal dysplasia-like syndrome. Identifiers: Orphanet 474, MedGen C0265275, MONDO:0018770.

Submission:

Labcorp Genetics (formerly Invitae), Labcorp
Classification: Uncertain significance for Jeune thoracic dystrophy. Last evaluated: 2022-02-04. Review status: criteria provided, single submitter. Criteria: Invitae Variant Classification Sherloc (09022015). Collection method: clinical testing. Allele origin: germline.
Comment: Algorithms developed to predict the effect of missense changes on protein structure and function (SIFT, PolyPhen-2, Align-GVGD) all suggest that this variant is likely to be tolerated. This variant has not been reported in the literature in individuals affected with IFT80-related conditions. This variant is not present in population databases (gnomAD no frequency). This sequence change replaces alanine, which is neutral and non-polar, with glutamic acid, which is acidic and polar, at codon 77 of the IFT80 protein (p.Ala77Glu). In summary, the available evidence is currently insufficient to determine the role of this variant in disease. Therefore, it has been classified as a Variant of Uncertain Significance.

NM_020800.3(IFT80):c.230C>A (p.Ala77Glu)

Genes: TRIM59-IFT80 (TRIM59-IFT80 readthrough (NMD candidate); minus strand), IFT80 (intraflagellar transport 80; minus strand). Cytogenetic location: 3q25.33.
Variant type: single nucleotide variant.
Coding change: c.230C>A on transcript NM_020800.3 (MANE Select); coding-DNA position 230, C replaced by A.
Protein change: p.Ala77Glu; replaces alanine 77 with glutamic acid.
Molecular consequence: missense variant. On other transcripts: non-coding transcript variant (2), 5 prime UTR variant (2).
Genome position (GRCh38, 1-based): chr3:160,381,532, G>T on the plus strand (C>A on the coding strand, the complement: IFT80 is on the minus strand). VCF-style: chr3-160381532-G-T. GRCh37 (hg19) VCF-style: chr3-160099320-G-T.
Other names: c.-182C>A (NM_001190241.2, NM_001190242.2); short protein forms A77E.
Identifiers: ClinVar variation 1406441 (VCV001406441.8), dbSNP rs866504439, ClinGen allele CA355194774.